The following is an entry in ClinVar:

ClinVar aggregate classification (germline): Uncertain significance. Review status: criteria provided, multiple submitters, no conflicts (2 of 4 stars). 4 submissions from 4 submitters: Uncertain significance (4). Last evaluated 2025-12-01.

Conditions:
Inborn genetic diseases. Identifiers: MedGen C0950123, MeSH D030342.

Allele frequency attached by ClinVar (database versions not stated): ExAC 0.00006; gnomAD exomes 0.00006; gnomAD 0.00009; TOPMed 0.00009; ESP Exome Variant Server 0.00015; 1000 Genomes Project 30x 0.00016; 1000 Genomes Project 0.00020.
gnomAD v4.1: 327 of 1,610,542 alleles (0.02%); highest among the groups gnomAD compares: Non-Finnish European, 0.027%; no homozygotes.

Submissions (6):

CeGaT Center for Human Genetics Tuebingen
Classification: Uncertain significance. Last evaluated: 2025-12-01. Review status: criteria provided, single submitter. Criteria: CeGaT Center For Human Genetics Tuebingen Variant Classification Criteria Version 2. Collection method: clinical testing. Allele origin: germline. Affected: yes. Observed: 1 variant allele.
Comment: NDUFA9: PM2

Labcorp Genetics (formerly Invitae), Labcorp
Classification: Uncertain significance. Last evaluated: 2025-04-17. Review status: criteria provided, single submitter. Criteria: Invitae Variant Classification Sherloc (09022015). Collection method: clinical testing. Allele origin: germline.
Comment: This sequence change replaces alanine, which is neutral and non-polar, with valine, which is neutral and non-polar, at codon 172 of the NDUFA9 protein (p.Ala172Val). This variant is present in population databases (rs190837666, gnomAD 0.01%). This variant has not been reported in the literature in individuals affected with NDUFA9-related conditions. ClinVar contains an entry for this variant (Variation ID: 1448024). An algorithm developed to predict the effect of missense changes on protein structure and function (PolyPhen-2) suggests that this variant is likely to be disruptive. In summary, the available evidence is currently insufficient to determine the role of this variant in disease. Therefore, it has been classified as a Variant of Uncertain Significance.

GeneDx
Classification: Uncertain significance. Last evaluated: 2025-03-21. Review status: criteria provided, single submitter. Criteria: GeneDx Variant Classification Process June 2021. Collection method: clinical testing. Allele origin: germline. Affected: yes.
Comment: Not observed at significant frequency in large population cohorts (gnomAD); In silico analysis supports that this missense variant has a deleterious effect on protein structure/function; Has not been previously published as pathogenic or benign to our knowledge

Ambry Genetics
Classification: Uncertain significance for Inborn genetic diseases. Last evaluated: 2024-12-17. Review status: criteria provided, single submitter. Criteria: Ambry Variant Classification Scheme 2023. Collection method: clinical testing. Allele origin: germline.

Dr. Peter K. Rogan Lab, Western University
No classification provided (evidence only). Condition: Lung cancer. Review status: no classification provided. Collection method: in vitro. Allele origin: not applicable. Functional consequence: retained intron. Not counted in ClinVar's aggregate classification.

Dr. Peter K. Rogan Lab, Western University
No classification provided (evidence only). Condition: Familial cancer of breast. Review status: no classification provided. Collection method: in vitro. Allele origin: not applicable. Functional consequence: retained intron. Not counted in ClinVar's aggregate classification.

NM_005002.5(NDUFA9):c.515C>T (p.Ala172Val)

Gene: NDUFA9 (NADH:ubiquinone oxidoreductase subunit A9; plus strand). Cytogenetic location: 12p13.32.
Variant type: single nucleotide variant.
Coding change: c.515C>T on transcript NM_005002.5 (MANE Select); coding-DNA position 515, C replaced by T.
Protein change: p.Ala172Val; replaces alanine 172 with valine.
Molecular consequence: missense variant.
Genome position (GRCh38, 1-based): chr12:4,659,140, C>T. VCF-style: chr12-4659140-C-T. GRCh37 (hg19) VCF-style: chr12-4768306-C-T.
Other names: c.515C>T (NM_005002.4); short protein forms A172V.
Identifiers: ClinVar variation 1448024 (VCV001448024.16), dbSNP rs190837666, ClinGen allele CA6398115.